The following is an entry in ClinVar:

ClinVar aggregate classification (germline): Uncertain significance (1 of 4 stars; one submission).

Conditions:
Chédiak-Higashi syndrome (CHS). Also called: Chediak-Higashi Syndrome. Identifiers: Orphanet 167, MedGen C0007965, MONDO:0008963, OMIM 214500.

Submission:

Labcorp Genetics (formerly Invitae), Labcorp
Classification: Uncertain significance for Chédiak-Higashi syndrome. Last evaluated: 2023-01-17. Review status: criteria provided, single submitter. Criteria: Invitae Variant Classification Sherloc (09022015). Collection method: clinical testing. Allele origin: germline.
Comment: In summary, the available evidence is currently insufficient to determine the role of this variant in disease. Therefore, it has been classified as a Variant of Uncertain Significance. This sequence change replaces glycine, which is neutral and non-polar, with serine, which is neutral and polar, at codon 855 of the LYST protein (p.Gly855Ser). This variant is not present in population databases (gnomAD no frequency). This variant has not been reported in the literature in individuals affected with LYST-related conditions. Advanced modeling of protein sequence and biophysical properties (such as structural, functional, and spatial information, amino acid conservation, physicochemical variation, residue mobility, and thermodynamic stability) performed at Invitae indicates that this missense variant is not expected to disrupt LYST protein function. Algorithms developed to predict the effect of sequence changes on RNA splicing suggest that this variant may create or strengthen a splice site.

NM_000081.4(LYST):c.2563G>A (p.Gly855Ser)

Gene: LYST (lysosomal trafficking regulator; minus strand). Cytogenetic location: 1q42.3.
Variant type: single nucleotide variant.
Coding change: c.2563G>A on transcript NM_000081.4 (MANE Select); coding-DNA position 2563, G replaced by A.
Protein change: p.Gly855Ser; replaces glycine 855 with serine.
Molecular consequence: missense variant.
Genome position (GRCh38, 1-based): chr1:235,806,573, C>T on the plus strand (G>A on the coding strand, the complement: LYST is on the minus strand). VCF-style: chr1-235806573-C-T. GRCh37 (hg19) VCF-style: chr1-235969873-C-T.
Other names: c.2563G>A, p.Gly855Ser (NM_001301365.1); short protein forms G855S.
Identifiers: ClinVar variation 2798080 (VCV002798080.3), dbSNP rs2527083672, ClinGen allele CA344956657.